The following is an entry in ClinVar:

NM_000350.3(ABCA4):c.1247C>G (p.Ser416Ter)

Gene: ABCA4 (ATP binding cassette subfamily A member 4; minus strand). Cytogenetic location: 1p22.1.
Variant type: single nucleotide variant.
Coding change: c.1247C>G on transcript NM_000350.3 (MANE Select); coding-DNA position 1247, C replaced by G.
Protein change: p.Ser416Ter; replaces serine 416 with a stop codon.
Molecular consequence: nonsense.
Genome position (GRCh38, 1-based): chr1:94,078,699, G>C on the plus strand (C>G on the coding strand, the complement: ABCA4 is on the minus strand). VCF-style: chr1-94078699-G-C. GRCh37 (hg19) VCF-style: chr1-94544255-G-C.
Other names: c.1247C>G, p.Ser416Ter (NM_001425324.1); short protein forms S416*.
Identifiers: ClinVar variation 3028074 (VCV003028074.3), dbSNP rs2523895384, ClinGen allele CA341282485.

ClinVar aggregate classification (germline): Pathogenic/Likely pathogenic. Review status: criteria provided, multiple submitters, no conflicts (2 of 4 stars). 2 submissions from 2 submitters: Pathogenic (1); Likely pathogenic (1). Last evaluated 2025-11-06.

Conditions:
Retinal dystrophy. Also called: Inherited retinal dystrophy. Identifiers: Orphanet 71862, MedGen C0854723, MeSH D058499, MONDO:0019118, HP:0000556.

gnomAD v4.1: 1 of 1,612,140 alleles (0.000062%); highest among the groups gnomAD compares: East Asian, 0.0022%; no homozygotes.

Submissions (2):

Dasa
Classification: Likely pathogenic. Last evaluated: 2025-11-06. Review status: criteria provided, single submitter. Criteria: DASA Assertion Criteria. Collection method: clinical testing. Allele origin: germline.
Comment: NM_000350.3(ABCA4):c.1247C>G (p.Ser416*) is a nonsense variant in ABCA4 predicted to introduce a premature termination codon and is predicted to result in an absent or altered protein product. Loss of function is an established disease mechanism for ABCA4-associated disorders. Also, this variant is rare in population databases. Based on the currently available evidence, this variant is classified as likely pathogenic.

Dept Of Ophthalmology, Nagoya University
Classification: Pathogenic for Retinal dystrophy. Last evaluated: 2023-10-01. Review status: criteria provided, single submitter. Criteria: Submitter's publication. Collection method: research. Allele origin: germline. Affected: yes.